The following is an entry in ClinVar:

NM_001377.3(DYNC2H1):c.3173G>A (p.Trp1058Ter)

Gene: DYNC2H1 (dynein cytoplasmic 2 heavy chain 1; plus strand). Cytogenetic location: 11q22.3.
Variant type: single nucleotide variant.
Coding change: c.3173G>A on transcript NM_001377.3 (MANE Select); coding-DNA position 3173, G replaced by A.
Protein change: p.Trp1058Ter; replaces tryptophan 1058 with a stop codon.
Molecular consequence: nonsense.
Genome position (GRCh38, 1-based): chr11:103,153,379, G>A. VCF-style: chr11-103153379-G-A. GRCh37 (hg19) VCF-style: chr11-103024108-G-A.
Other names: c.3173G>A, p.Trp1058Ter (NM_001080463.2); short protein forms W1058*.
Identifiers: ClinVar variation 5016065 (VCV005016065.1).

ClinVar aggregate classification (germline): Pathogenic (1 of 4 stars; one submission).

Conditions:
Asphyxiating thoracic dystrophy 3. Also called: SHORT-RIB THORACIC DYSPLASIA 3 WITH OR WITHOUT POLYDACTYLY; POLYDACTYLY WITH NEONATAL CHONDRODYSTROPHY, TYPE I; SHORT-RIB THORACIC DYSPLASIA 3/6 WITH POLYDACTYLY, DIGENIC; Short rib polydactyly syndrome 2B; Saldino-Noonan Syndrome. Identifiers: Orphanet 474, Orphanet 93269, Orphanet 93270, Orphanet 93271, MedGen C0036069, MONDO:0013127, OMIM 613091.

Submission:

Myriad Genetics, Inc.
Classification: Pathogenic for Asphyxiating thoracic dystrophy 3. Last evaluated: 2026-06-22. Review status: criteria provided, single submitter. Criteria: Myriad Autosomal Dominant, Autosomal Recessive and X-Linked Classification Criteria (2023). Collection method: clinical testing. Allele origin: unknown.
Comment: NM_001377.2(DYNC2H1):c.3173G>A(W1058*) is expected to be pathogenic in the context of DYNC2H1-related disorders. This variant is predicted to lead to an abnormal or absent protein product due to the creation of a premature termination codon in DYNC2H1, a gene where loss-of-function variants are known to be pathogenic. Please note: this variant was assessed in the context of healthy population screening.